The following is an entry in ClinVar:

ClinVar aggregate classification (germline): Uncertain significance (1 of 4 stars; one submission).

Conditions:
Hereditary cancer-predisposing syndrome. Also called: Neoplastic Syndromes, Hereditary; Tumor predisposition; Hereditary neoplastic syndrome; Hereditary Cancer Syndrome. Identifiers: Orphanet 140162, MedGen C0027672, MeSH D009386, MONDO:0015356.

gnomAD v4.1: 1 of 1,614,120 alleles (0.000062%); highest among the groups gnomAD compares: Non-Finnish European, 0.000085%; no homozygotes.

Submission:

Ambry Genetics
Classification: Uncertain significance for Hereditary cancer-predisposing syndrome. Last evaluated: 2026-07-06. Review status: criteria provided, single submitter. Criteria: Ambry Variant Classification Scheme 2023. Collection method: clinical testing. Allele origin: germline.
Comment: The p.Q1988* variant (also known as c.5962C>T), located in coding exon 43 of the POLE gene, results from a C to T substitution at nucleotide position 5962. This changes the amino acid from a glutamine to a stop codon within coding exon 43. This variant is expected to result in loss of function by premature protein truncation or nonsense-mediated mRNA decay. Although biallelic loss of function of POLE has been associated with autosomal recessive POLE deficiency, haploinsufficiency of POLE has not been established as a mechanism of disease for POLE-related polymerase proofreading-associated polyposis (PPAP) and POLE-related CMMRD-like syndrome. Based on the supporting evidence, this variant is expected to be causative of POLE deficiency when present along with a second pathogenic variant on the other allele; however, its clinical significance for PPAP and POLE-related CMMRD-like syndrome is unclear.

NM_006231.4(POLE):c.5962C>T (p.Gln1988Ter)

Gene: POLE (DNA polymerase epsilon, catalytic subunit; minus strand). Cytogenetic location: 12q24.33.
Variant type: single nucleotide variant.
Coding change: c.5962C>T on transcript NM_006231.4 (MANE Select); coding-DNA position 5962, C replaced by T.
Protein change: p.Gln1988Ter; replaces glutamine 1988 with a stop codon.
Molecular consequence: nonsense.
Genome position (GRCh38, 1-based): chr12:132,634,228, G>A on the plus strand (C>T on the coding strand, the complement: POLE is on the minus strand). VCF-style: chr12-132634228-G-A. GRCh37 (hg19) VCF-style: chr12-133210814-G-A.
Other names: short protein forms Q1988*.
Identifiers: ClinVar variation 5027022 (VCV005027022.1).